The following is an entry in ClinVar:

ClinVar aggregate classification (germline): Benign. Review status: criteria provided, multiple submitters, no conflicts (2 of 4 stars). 5 submissions from 5 submitters: Benign (4). 1 of the submissions does not count toward it. Last evaluated 2023-03-28.

Conditions:
Maple syrup urine disease (MSUD). Identifiers: Orphanet 511, MedGen C0024776, MeSH D008375, MONDO:0009563. Disease mechanism: loss of function.
BCKDHA-related disorder. Also called: BCKDHA-related condition.

Submissions (5):

Blueprint Genetics
Classification: Benign. Last evaluated: 2023-03-28. Review status: criteria provided, single submitter. Criteria: ACMG Guidelines, 2015. Collection method: clinical testing. Allele origin: germline.

Genome-Nilou Lab
Classification: Benign for Maple syrup urine disease type 1A. Last evaluated: 2021-07-14. Review status: criteria provided, single submitter. Criteria: ACMG Guidelines, 2015. Collection method: clinical testing. Allele origin: germline. Affected: no.

GeneDx
Classification: Benign. Last evaluated: 2015-03-03. Review status: criteria provided, single submitter. Criteria: GeneDx Variant Classification Process June 2021. Collection method: clinical testing. Allele origin: germline. Affected: yes.

Eurofins Ntd Llc (ga)
Classification: Benign. Last evaluated: 2013-08-23. Review status: criteria provided, single submitter. Criteria: EGL Classification Definitions. Collection method: clinical testing. Allele origin: germline. Observed: 115 variant alleles, 48 heterozygotes, 67 homozygotes.

PreventionGenetics, part of Exact Sciences
Classification: Benign for BCKDHA-related condition. Last evaluated: 2024-05-22. Review status: no assertion criteria provided. Collection method: clinical testing. Allele origin: germline. Not counted in ClinVar's aggregate classification.
Comment: This variant is classified as benign based on ACMG/AMP sequence variant interpretation guidelines (Richards et al. 2015 PMID: 25741868, with internal and published modifications).

Literature cited by the submitters: PubMed 23757202 (cited by Eurofins Ntd Llc (ga)).

NM_000709.4(BCKDHA):c.996-33dup

Gene: BCKDHA (branched chain keto acid dehydrogenase E1 subunit alpha; plus strand). Cytogenetic location: 19q13.2.
Variant type: Duplication.
Coding change: c.996-33dup on transcript NM_000709.4 (MANE Select); 33 bases into the intron before coding-DNA position 996, one base duplicated (C; older notation c.996-33dupC).
Molecular consequence: intron variant.
Genome position (GRCh38, 1-based): chr19:41,422,965, C duplicated; the last of 3 consecutive C bases (chr19:41,422,963-41,422,965); duplicating any one gives the same sequence. VCF-style (leftmost placement, unchanged base first): chr19-41422962-G-GC. GRCh37 (hg19) VCF-style: chr19-41928867-G-GC.
Other names: c.993-33dup (NM_001164783.2); c.996-33dupC (NM_000709.3).
Identifiers: ClinVar variation 93389 (VCV000093389.11), dbSNP rs3217385, ClinGen allele CA146884.